The following is an entry in ClinVar:

ClinVar aggregate classification (germline): Uncertain significance (1 of 4 stars; one submission).

Conditions:
Hereditary cancer-predisposing syndrome. Also called: Tumor predisposition; Hereditary neoplastic syndrome; Hereditary Cancer Syndrome; Neoplastic Syndromes, Hereditary. Identifiers: Orphanet 140162, MedGen C0027672, MeSH D009386, MONDO:0015356.

Submission:

Ambry Genetics
Classification: Uncertain significance for Hereditary cancer-predisposing syndrome. Last evaluated: 2025-05-12. Review status: criteria provided, single submitter. Criteria: Ambry Variant Classification Scheme 2023. Collection method: clinical testing. Allele origin: germline.
Comment: The p.L384F variant (also known as c.1152A>T), located in coding exon 11 of the PMS2 gene, results from an A to T substitution at nucleotide position 1152. The leucine at codon 384 is replaced by phenylalanine, an amino acid with highly similar properties. This amino acid position is not well conserved in available vertebrate species. In addition, this alteration is predicted to be tolerated by in silico analysis. Based on the available evidence, the clinical significance of this variant remains unclear.

NM_000535.7(PMS2):c.1152A>T (p.Leu384Phe)

Gene: PMS2 (PMS1 homolog 2, mismatch repair system component; minus strand). Cytogenetic location: 7p22.1.
Variant type: single nucleotide variant.
Coding change: c.1152A>T on transcript NM_000535.7 (MANE Select); coding-DNA position 1152, A replaced by T.
Protein change: p.Leu384Phe; replaces leucine 384 with phenylalanine.
Molecular consequence: missense variant. On other transcripts: non-coding transcript variant (1), intron variant (1).
Genome position (GRCh38, 1-based): chr7:5,987,613, T>A on the plus strand (A>T on the coding strand, the complement: PMS2 is on the minus strand). VCF-style: chr7-5987613-T-A. GRCh37 (hg19) VCF-style: chr7-6027244-T-A.
Other names: c.843A>T, p.Leu281Phe (NM_001322015.2, NM_001406875.1, NM_001406877.1 and 5 more transcripts); c.1338A>T, p.Leu446Phe (NM_001406866.1); c.1176A>T, p.Leu392Phe (NM_001406868.1); c.1044A>T, p.Leu348Phe (NM_001406869.1); c.996A>T, p.Leu332Phe (NM_001406870.1, NM_001322006.2); c.1152A>T, p.Leu384Phe (NM_001406871.1, NM_001406872.1, NM_001322014.2); c.954A>T, p.Leu318Phe (NM_001406873.1); c.984A>T, p.Leu328Phe (NM_001406874.1); and 13 more; short protein forms L318F, L328F, L384F, L446F, L229F, L262F, L332F, L348F.
Identifiers: ClinVar variation 3935128 (VCV003935128.1).